The following is an entry in ClinVar:

ClinVar aggregate classification (germline): Uncertain significance. Review status: criteria provided, multiple submitters, no conflicts (2 of 4 stars). 2 submissions from 2 submitters: Uncertain significance (2). Last evaluated 2022-06-04.

Allele frequency attached by ClinVar (database versions not stated): gnomAD 0.00001; gnomAD exomes 0.00001; TOPMed 0.00001.
gnomAD v4.1: 7 of 1,614,076 alleles (0.00043%); highest among the groups gnomAD compares: Non-Finnish European, 0.00051%; no homozygotes.

Submissions (2):

Labcorp Genetics (formerly Invitae), Labcorp
Classification: Uncertain significance. Last evaluated: 2022-06-04. Review status: criteria provided, single submitter. Criteria: Invitae Variant Classification Sherloc (09022015). Collection method: clinical testing. Allele origin: germline.
Comment: This sequence change replaces serine, which is neutral and polar, with tyrosine, which is neutral and polar, at codon 1024 of the DHX38 protein (p.Ser1024Tyr). This variant is present in population databases (no rsID available, gnomAD 0.002%). This variant has not been reported in the literature in individuals affected with DHX38-related conditions. ClinVar contains an entry for this variant (Variation ID: 1488310). Algorithms developed to predict the effect of missense changes on protein structure and function (SIFT, PolyPhen-2, Align-GVGD) all suggest that this variant is likely to be disruptive. In summary, the available evidence is currently insufficient to determine the role of this variant in disease. Therefore, it has been classified as a Variant of Uncertain Significance.

Blueprint Genetics
Classification: Uncertain significance. Last evaluated: 2021-09-16. Review status: criteria provided, single submitter. Criteria: ACMG Guidelines, 2015. Collection method: clinical testing. Allele origin: germline.

NM_014003.4(DHX38):c.3071C>A (p.Ser1024Tyr)

Genes: DHX38 (DEAH-box helicase 38; plus strand), LOC126862391 (CDK7 strongly-dependent group 2 enhancer GRCh37_chr16:72141414-72142613; plus strand). Cytogenetic location: 16q22.2.
Variant type: single nucleotide variant.
Coding change: c.3071C>A on transcript NM_014003.4 (MANE Select); coding-DNA position 3071, C replaced by A.
Protein change: p.Ser1024Tyr; replaces serine 1024 with tyrosine.
Molecular consequence: missense variant.
Genome position (GRCh38, 1-based): chr16:72,108,333, C>A. VCF-style: chr16-72108333-C-A. GRCh37 (hg19) VCF-style: chr16-72142232-C-A.
Other names: short protein forms S1024Y.
Identifiers: ClinVar variation 1488310 (VCV001488310.7), dbSNP rs1012466749, ClinGen allele CA283691241.